The following is an entry in ClinVar:

ClinVar aggregate classification (germline): Uncertain significance (1 of 4 stars; one submission).

gnomAD v4.1: 1 of 1,614,222 alleles (0.000062%); highest among the groups gnomAD compares: African/African-American, 0.0013%; no homozygotes.

Submission:

GeneDx
Classification: Uncertain significance. Last evaluated: 2024-07-28. Review status: criteria provided, single submitter. Criteria: GeneDx Variant Classification Process June 2021. Collection method: clinical testing. Allele origin: germline. Affected: yes.
Comment: In silico analysis indicates that this missense variant does not alter protein structure/function; Has not been previously published as pathogenic or benign to our knowledge

NM_012199.5(AGO1):c.1342G>A (p.Val448Ile)

Gene: AGO1 (argonaute RISC component 1; plus strand). Cytogenetic location: 1p34.3.
Variant type: single nucleotide variant.
Coding change: c.1342G>A on transcript NM_012199.5 (MANE Select); coding-DNA position 1342, G replaced by A.
Protein change: p.Val448Ile; replaces valine 448 with isoleucine.
Molecular consequence: missense variant.
Genome position (GRCh38, 1-based): chr1:35,902,282, G>A. VCF-style: chr1-35902282-G-A. GRCh37 (hg19) VCF-style: chr1-36367883-G-A.
Other names: c.1342G>A, p.Val448Ile (NM_001317122.2); c.1117G>A, p.Val373Ile (NM_001317123.2); short protein forms V373I, V448I.
Identifiers: ClinVar variation 3602237 (VCV003602237.1).